The following is an entry in ClinVar:

ClinVar aggregate classification (germline): Likely pathogenic (0 of 4 stars; one submission).

Conditions:
Adams-Oliver syndrome 5 (AOS5). Identifiers: Orphanet 974, MedGen C4014970, MONDO:0014459, OMIM 616028.

Submission:

University of British Columbia
Classification: Likely pathogenic for Adams-Oliver syndrome 5. Last evaluated: 2014-07-01. Review status: no assertion criteria provided. Collection method: research. Allele origin: de novo. Affected: yes. Observed: 1 variant allele.
Comment: WGS study of families affected with Adams-Oliver syndrome to identify disease variants

Literature cited by the submitters: PubMed 25132448.

Single allele

Gene: NOTCH1 (notch receptor 1; minus strand). Cytogenetic location: 9q34.3.
Variant type: Deletion.
Identifiers: ClinVar variation 441283 (VCV000441283.1).